The following is an entry in ClinVar:

NM_006308.3(HSPB3):c.421G>A (p.Val141Met)

Gene: HSPB3 (heat shock protein family B (small) member 3; plus strand). Cytogenetic location: 5q11.2.
Variant type: single nucleotide variant.
Coding change: c.421G>A on transcript NM_006308.3 (MANE Select); coding-DNA position 421, G replaced by A.
Protein change: p.Val141Met; replaces valine 141 with methionine.
Molecular consequence: missense variant.
Genome position (GRCh38, 1-based): chr5:54,456,210, G>A. VCF-style: chr5-54456210-G-A. GRCh37 (hg19) VCF-style: chr5-53752040-G-A.
Other names: short protein forms V141M.
Identifiers: ClinVar variation 4056768 (VCV004056768.1).
Genomic context (GRCh38, chr5:54,456,210, plus strand): 5'-CCAGATGGTGTGGAAATCAAAGATTTGTCTGCAGTCCTCTGTCATGATGGAATTTTGGTG[G>A]TGGAAGTAAAGGATCCAGTTGGGACTAAGTGACATCGTATCGGTTCCTGTTCAGATGACA-3'
Protein context (NP_006299.1, residues 131-150): AVLCHDGILV[Val141Met]EVKDPVGTK

ClinVar aggregate classification (germline): Uncertain significance (1 of 4 stars; one submission).

Conditions:
Neuronopathy, distal hereditary motor, type 2C. Also called: HMN IIC; NEUROPATHY, DISTAL HEREDITARY MOTOR, AUTOSOMAL DOMINANT 4; NEURONOPATHY, DISTAL HEREDITARY MOTOR, HARDING TYPE IIC; NEUROPATHY, DISTAL HEREDITARY MOTOR, HARDING TYPE IIC. Identifiers: Orphanet 139525, MedGen C3150619, MONDO:0013243, OMIM 613376.

Submission:

Laboratorio de Genetica e Diagnostico Molecular, Hospital Israelita Albert Einstein
Classification: Uncertain significance for Neuronopathy, distal hereditary motor, type 2C. Last evaluated: 2024-09-16. Review status: criteria provided, single submitter. Criteria: ACMG Guidelines, 2015. Collection method: clinical testing. Allele origin: germline. Affected: yes.
Comment: ACMG classification criteria: PM2 supporting, PP3 supporting